The following is an entry in ClinVar:

ClinVar aggregate classification (germline): Uncertain significance (1 of 4 stars; one submission).

Submission:

Labcorp Genetics (formerly Invitae), Labcorp
Classification: Uncertain significance. Last evaluated: 2025-04-17. Review status: criteria provided, single submitter. Criteria: Invitae Variant Classification Sherloc (09022015). Collection method: clinical testing. Allele origin: germline.
Comment: This sequence change replaces tyrosine, which is neutral and polar, with cysteine, which is neutral and slightly polar, at codon 1706 of the RAI1 protein (p.Tyr1706Cys). This variant is not present in population databases (gnomAD no frequency). This variant has not been reported in the literature in individuals affected with RAI1-related conditions. Invitae Evidence Modeling of protein sequence and biophysical properties (such as structural, functional, and spatial information, amino acid conservation, physicochemical variation, residue mobility, and thermodynamic stability) indicates that this missense variant is expected to disrupt RAI1 protein function with a positive predictive value of 80%. In summary, the available evidence is currently insufficient to determine the role of this variant in disease. Therefore, it has been classified as a Variant of Uncertain Significance.

NM_030665.4(RAI1):c.5117A>G (p.Tyr1706Cys)

Gene: RAI1 (retinoic acid induced 1; plus strand). Cytogenetic location: 17p11.2.
Variant type: single nucleotide variant.
Coding change: c.5117A>G on transcript NM_030665.4 (MANE Select); coding-DNA position 5117, A replaced by G.
Protein change: p.Tyr1706Cys; replaces tyrosine 1706 with cysteine.
Molecular consequence: missense variant.
Genome position (GRCh38, 1-based): chr17:17,798,065, A>G. VCF-style: chr17-17798065-A-G. GRCh37 (hg19) VCF-style: chr17-17701379-A-G.
Other names: short protein forms Y1706C.
Identifiers: ClinVar variation 4746207 (VCV004746207.1).